The following is an entry in ClinVar:

ClinVar aggregate classification (germline): Likely benign (1 of 4 stars; one submission).

Submission:

CeGaT Center for Human Genetics Tuebingen
Classification: Likely benign. Last evaluated: 2023-05-01. Review status: criteria provided, single submitter. Criteria: CeGaT Center For Human Genetics Tuebingen Variant Classification Criteria Version 2. Collection method: clinical testing. Allele origin: germline. Affected: yes. Observed: 2 variant alleles.
Comment: SLC45A1: BP4, BP7

NM_001080397.3(SLC45A1):c.201G>C (p.Pro67=)

Gene: SLC45A1 (solute carrier family 45 member 1; plus strand). Cytogenetic location: 1p36.23.
Variant type: single nucleotide variant.
Coding change: c.201G>C on transcript NM_001080397.3 (MANE Select); coding-DNA position 201, G replaced by C.
Protein change: p.Pro67=; no amino-acid change (proline 67 retained).
Molecular consequence: synonymous variant. On other transcripts: intron variant (2).
Genome position (GRCh38, 1-based): chr1:8,324,530, G>C. VCF-style: chr1-8324530-G-C. GRCh37 (hg19) VCF-style: chr1-8384590-G-C.
Other names: c.201G>C, p.Pro67= (NM_001379614.1, NM_001379615.1, NM_001379616.1); c.-116-1288G>C (NM_001379617.1, NM_001379618.1).
Identifiers: ClinVar variation 2638147 (VCV002638147.24), dbSNP rs200853249, ClinGen allele CA416029113.
Genomic context (GRCh38, chr1:8,324,530, plus strand): 5'-ACGACACCCCAAGAGGAGGAAGTGCATTCGTCCCTCCCCACCCCCGCCCCCCAACACCCC[G>C]TGCCCGCTTGAGCTGGTGGACTTCGGGGACCTGCACCCCCAGAGGTCCTTCCGGGAGCTG-3'
Protein context (NP_001073866.3, residues 57-77): RPSPPPPPNT[Pro67=]CPLELVDFGD